The following is an entry in ClinVar:

NM_005585.5(SMAD6):c.286C>G (p.Pro96Ala)

Gene: SMAD6 (SMAD family member 6; plus strand). Cytogenetic location: 15q22.31.
Variant type: single nucleotide variant.
Coding change: c.286C>G on transcript NM_005585.5 (MANE Select); coding-DNA position 286, C replaced by G.
Protein change: p.Pro96Ala; replaces proline 96 with alanine.
Molecular consequence: missense variant. On other transcripts: non-coding transcript variant (1).
Genome position (GRCh38, 1-based): chr15:66,703,544, C>G. VCF-style: chr15-66703544-C-G. GRCh37 (hg19) VCF-style: chr15-66995882-C-G.
Other names: short protein forms P96A.
Identifiers: ClinVar variation 4737076 (VCV004737076.1).

ClinVar aggregate classification (germline): Uncertain significance (1 of 4 stars; one submission).

Conditions:
Aortic valve disease 2 (AOVD2). Identifiers: MedGen C3542024, MONDO:0013902, OMIM 614823.

gnomAD v4.1: 4 of 1,221,720 alleles (0.00033%); highest among the groups gnomAD compares: Non-Finnish European, 0.00041%; no homozygotes.

Submission:

Labcorp Genetics (formerly Invitae), Labcorp
Classification: Uncertain significance for Aortic valve disease 2. Last evaluated: 2025-03-16. Review status: criteria provided, single submitter. Criteria: Invitae Variant Classification Sherloc (09022015). Collection method: clinical testing. Allele origin: germline.
Comment: This sequence change replaces proline, which is neutral and non-polar, with alanine, which is neutral and non-polar, at codon 96 of the SMAD6 protein (p.Pro96Ala). This variant is not present in population databases (gnomAD no frequency). This variant has not been reported in the literature in individuals affected with SMAD6-related conditions. An algorithm developed to predict the effect of missense changes on protein structure and function (PolyPhen-2) suggests that this variant is likely to be tolerated. In summary, the available evidence is currently insufficient to determine the role of this variant in disease. Therefore, it has been classified as a Variant of Uncertain Significance.